The following is an entry in ClinVar:

NM_001377.3(DYNC2H1):c.7141G>T (p.Val2381Leu)

Gene: DYNC2H1 (dynein cytoplasmic 2 heavy chain 1; plus strand). Cytogenetic location: 11q22.3.
Variant type: single nucleotide variant.
Coding change: c.7141G>T on transcript NM_001377.3 (MANE Select); coding-DNA position 7141, G replaced by T.
Protein change: p.Val2381Leu; replaces valine 2381 with leucine.
Molecular consequence: missense variant.
Genome position (GRCh38, 1-based): chr11:103,188,497, G>T. VCF-style: chr11-103188497-G-T. GRCh37 (hg19) VCF-style: chr11-103059226-G-T.
Other names: c.7141G>T (NM_001080463.1); c.7141G>T, p.Val2381Leu (NM_001080463.2); short protein forms V2381L.
Identifiers: ClinVar variation 1365729 (VCV001365729.7), dbSNP rs757701499, ClinGen allele CA6254170.
Genomic context (GRCh38, chr11:103,188,497, plus strand): 5'-TTTATCATGATTAGGAAATCTTAGATAAAAAACGTTTAAAATATATTTATTTTCAAATAG[G>T]TATTGACGTATCAAGGATTTTATGATGAAAATTTGGAATGGGTTGGTCTAGAAAATATTC-3'
Protein context (NP_001368.2, residues 2371-2391): TSTLVAFLQQ[Val2381Leu]LTYQGFYDEN

ClinVar aggregate classification (germline): Uncertain significance. Review status: criteria provided, multiple submitters, no conflicts (2 of 4 stars). 3 submissions from 3 submitters: Uncertain significance (3). Last evaluated 2023-07-06.

Conditions:
Jeune thoracic dystrophy. Also called: Infantile thoracic dystrophy; Thoracic pelvic phalangeal dystrophy; Jeune's syndrome; Chondroectodermal dysplasia-like syndrome; Jeune syndrome; Short-rib thoracic dysplasia. Identifiers: Orphanet 474, MedGen C0265275, MONDO:0018770.
Inborn genetic diseases. Identifiers: MedGen C0950123, MeSH D030342.

gnomAD v4.1: 19 of 1,583,682 alleles (0.0012%); highest among the groups gnomAD compares: Non-Finnish European, 0.0016%; no homozygotes.

Submissions (3):

Blueprint Genetics
Classification: Uncertain significance. Last evaluated: 2023-07-06. Review status: criteria provided, single submitter. Criteria: ACMG Guidelines, 2015. Collection method: clinical testing. Allele origin: germline.

Ambry Genetics
Classification: Uncertain significance for Inborn genetic diseases. Last evaluated: 2022-12-06. Review status: criteria provided, single submitter. Criteria: Ambry Variant Classification Scheme 2023. Collection method: clinical testing. Allele origin: germline.

Labcorp Genetics (formerly Invitae), Labcorp
Classification: Uncertain significance for Jeune thoracic dystrophy. Last evaluated: 2021-09-24. Review status: criteria provided, single submitter. Criteria: Invitae Variant Classification Sherloc (09022015). Collection method: clinical testing. Allele origin: germline.
Comment: This sequence change replaces valine with leucine at codon 2381 of the DYNC2H1 protein (p.Val2381Leu). The valine residue is highly conserved and there is a small physicochemical difference between valine and leucine. This variant is present in population databases (rs757701499, ExAC 0.003%). This variant has not been reported in the literature in individuals with DYNC2H1-related conditions. Algorithms developed to predict the effect of missense changes on protein structure and function (SIFT, PolyPhen-2, Align-GVGD) all suggest that this variant is likely to be tolerated, but these predictions have not been confirmed by published functional studies and their clinical significance is uncertain. Algorithms developed to predict the effect of sequence changes on RNA splicing suggest that this variant may disrupt the consensus splice site, but this prediction has not been confirmed by published transcriptional studies. In summary, the available evidence is currently insufficient to determine the role of this variant in disease. Therefore, it has been classified as a Variant of Uncertain Significance.